The following is an entry in ClinVar:

ClinVar aggregate classification (germline): Benign/Likely benign. Review status: criteria provided, multiple submitters, no conflicts (2 of 4 stars). 3 submissions from 3 submitters: Benign (1); Likely benign (2). Last evaluated 2025-12-10.

Conditions:
Hereditary cancer-predisposing syndrome. Also called: Neoplastic Syndromes, Hereditary; Tumor predisposition; Hereditary Cancer Syndrome; Hereditary neoplastic syndrome. Identifiers: Orphanet 140162, MedGen C0027672, MeSH D009386, MONDO:0015356.
Multiple endocrine neoplasia, type 2 (MEN2). Identifiers: Orphanet 653, MedGen C4048306, MONDO:0019003. Disease mechanism: gain of function.
Multiple endocrine neoplasia type 2A. Also called: MULTIPLE ENDOCRINE NEOPLASIA, TYPE IIA; PTC SYNDROME; SIPPLE SYNDROME; MEN 2A; MEN-2A syndrome; Pheochromocytoma and amyloid producing medullary thyroid carcinoma. Identifiers: Orphanet 247698, Orphanet 653, MedGen C0025268, MeSH D018813, MONDO:0008234, OMIM 171400.

Allele frequency attached by ClinVar (database versions not stated): gnomAD exomes below 0.00001.
gnomAD v4.1: 1 of 1,594,064 alleles (0.000063%); highest among the groups gnomAD compares: Non-Finnish European, 0.000085%; no homozygotes.

Submissions (3):

Labcorp Genetics (formerly Invitae), Labcorp
Classification: Likely benign for Multiple endocrine neoplasia, type 2. Last evaluated: 2025-12-10. Review status: criteria provided, single submitter. Criteria: Invitae Variant Classification Sherloc (09022015). Collection method: clinical testing. Allele origin: germline.

Myriad Genetics, Inc.
Classification: Benign for Multiple endocrine neoplasia type 2A. Last evaluated: 2025-02-25. Review status: criteria provided, single submitter. Criteria: Myriad Autosomal Dominant, Autosomal Recessive and X-Linked Classification Criteria (2023). Collection method: clinical testing. Allele origin: unknown.
Comment: This variant is considered benign. This variant is a silent/synonymous amino acid change and it is not expected to impact splicing.

Ambry Genetics
Classification: Likely benign for Hereditary cancer-predisposing syndrome. Last evaluated: 2022-08-28. Review status: criteria provided, single submitter. Criteria: Ambry Variant Classification Scheme 2023. Collection method: clinical testing. Allele origin: germline.

NM_020975.6(RET):c.1575G>T (p.Arg525=)

Gene: RET (ret proto-oncogene; plus strand). Cytogenetic location: 10q11.21.
Variant type: single nucleotide variant.
Coding change: c.1575G>T on transcript NM_020975.6 (MANE Select); coding-DNA position 1575, G replaced by T.
Protein change: p.Arg525=; no amino-acid change (arginine 525 retained).
Molecular consequence: synonymous variant.
Genome position (GRCh38, 1-based): chr10:43,112,151, G>T. VCF-style: chr10-43112151-G-T. GRCh37 (hg19) VCF-style: chr10-43607599-G-T.
Other names: c.1575G>T, p.Arg525= (NM_000323.2, NM_001406743.1, NM_001406744.1 and 6 more transcripts); c.813G>T, p.Arg271= (NM_001355216.2); c.1446G>T, p.Arg482= (NM_001406761.1, NM_001406762.1, NM_001406764.1 and 1 more transcripts); c.1287G>T, p.Arg429= (NM_001406766.1, NM_001406767.1, NM_001406770.1); c.1179G>T, p.Arg393= (NM_001406769.1, NM_001406772.1); c.1137G>T, p.Arg379= (NM_001406771.1, NM_001406773.1); c.1050G>T, p.Arg350= (NM_001406774.1); c.849G>T, p.Arg283= (NM_001406775.1, NM_001406776.1, NM_001406777.1 and 1 more transcripts); and 5 more.
Identifiers: ClinVar variation 1775582 (VCV001775582.4), dbSNP rs2132798732, ClinGen allele CA469027633.